The following is an entry in ClinVar:

NM_001354604.2(MITF):c.1049A>G (p.Lys350Arg)

Gene: MITF (melanocyte inducing transcription factor; plus strand). Cytogenetic location: 3p13.
Variant type: single nucleotide variant.
Coding change: c.1049A>G on transcript NM_001354604.2 (MANE Select); coding-DNA position 1049, A replaced by G.
Protein change: p.Lys350Arg; replaces lysine 350 with arginine.
Molecular consequence: missense variant.
Genome position (GRCh38, 1-based): chr3:69,959,290, A>G. VCF-style: chr3-69959290-A-G. GRCh37 (hg19) VCF-style: chr3-70008441-A-G.
Other names: c.728A>G, p.Lys243Arg (NM_000248.4); c.875A>G, p.Lys292Arg (NM_001184967.2, NM_001354608.2); c.1046A>G, p.Lys349Arg (NM_001354605.2); c.1028A>G, p.Lys343Arg (NM_001354606.2, NM_006722.3); c.980A>G, p.Lys327Arg (NM_001354607.2); c.710A>G, p.Lys237Arg (NM_198158.3); c.1031A>G, p.Lys344Arg (NM_198159.3); c.983A>G, p.Lys328Arg (NM_198177.3); and 1 more; short protein forms K181R, K237R, K243R, K292R, K327R, K328R, K343R, K344R.
Identifiers: ClinVar variation 3754581 (VCV003754581.2).

ClinVar aggregate classification (germline): Uncertain significance (1 of 4 stars; one submission).

Conditions:
Waardenburg syndrome type 2A (WS2A). Also called: WAARDENBURG SYNDROME WITHOUT DYSTOPIA CANTHORUM. Identifiers: Orphanet 3440, MedGen C1860339, MONDO:0008671, OMIM 193510.
Tietz syndrome (TADS). Also called: ALBINISM-DEAFNESS OF TIETZ; HYPOPIGMENTATION/DEAFNESS OF TIETZ; TIETZ ALBINISM-DEAFNESS SYNDROME. Identifiers: Orphanet 42665, MedGen C0391816, MONDO:0007077, OMIM 103500.
Melanoma, cutaneous malignant, susceptibility to, 8. Also called: MELANOMA AND RENAL CELL CARCINOMA, SUSCEPTIBILITY TO; Cutaneous malignant melanoma 8. Identifiers: Orphanet 293822, MedGen C3152204, MONDO:0013759, OMIM 614456.

Submission:

Labcorp Genetics (formerly Invitae), Labcorp
Classification: Uncertain significance for Melanoma, cutaneous malignant, susceptibility to, 8; Waardenburg syndrome type 2A; Tietz syndrome. Last evaluated: 2024-02-11. Review status: criteria provided, single submitter. Criteria: Invitae Variant Classification Sherloc (09022015). Collection method: clinical testing. Allele origin: germline.
Comment: This sequence change replaces lysine, which is basic and polar, with arginine, which is basic and polar, at codon 243 of the MITF protein (p.Lys243Arg). This variant is not present in population databases (gnomAD no frequency). This variant has not been reported in the literature in individuals affected with MITF-related conditions. Advanced modeling of protein sequence and biophysical properties (such as structural, functional, and spatial information, amino acid conservation, physicochemical variation, residue mobility, and thermodynamic stability) performed at Invitae indicates that this missense variant is expected to disrupt MITF protein function with a positive predictive value of 80%. In summary, the available evidence is currently insufficient to determine the role of this variant in disease. Therefore, it has been classified as a Variant of Uncertain Significance.